The following is an entry in ClinVar:

NM_022098.4(XPNPEP3):c.658C>T (p.Gln220Ter)

Gene: XPNPEP3 (X-prolyl aminopeptidase 3; plus strand). Cytogenetic location: 22q13.2.
Variant type: single nucleotide variant.
Coding change: c.658C>T on transcript NM_022098.4 (MANE Select); coding-DNA position 658, C replaced by T.
Protein change: p.Gln220Ter; replaces glutamine 220 with a stop codon.
Molecular consequence: nonsense.
Genome position (GRCh38, 1-based): chr22:40,886,381, C>T. VCF-style: chr22-40886381-C-T. GRCh37 (hg19) VCF-style: chr22-41282385-C-T.
Other names: short protein forms Q220*.
Identifiers: ClinVar variation 2500236 (VCV002500236.1), dbSNP rs2517973284, ClinGen allele CA411677950.
Genomic context (GRCh38, chr22:40,886,381, plus strand): 5'-AACATGGTTTGGTATGACTGGATGAGGCCCTCACATGCACAGCTTCACTCTGACTATATG[C>T]AGCCCCTGACTGAGGCCAAAGCCAAGAGCAAGAACAAGGTTCGGGGTGTTCAGCAGCTGA-3'

ClinVar aggregate classification (germline): Likely pathogenic (1 of 4 stars; one submission).

Conditions:
Nephronophthisis-like nephropathy 1 (NPHPL1). Identifiers: Orphanet 655, MedGen C3150419, MONDO:0013163, OMIM 613159.

Submission:

Institute of Human Genetics, FAU Erlangen, Friedrich-Alexander-Universität Erlangen-Nürnberg
Classification: Likely pathogenic for Nephronophthisis-like nephropathy 1. Last evaluated: 2023-05-02. Review status: criteria provided, single submitter. Criteria: Hauer et al. (Genet Med. 2018). Collection method: clinical testing. Allele origin: germline. Inheritance: Autosomal recessive inheritance. Affected: yes. Observed: 2 variant alleles.
Comment: This variant has been identified by standard clinical testing. Selected ACMG criteria: Likely pathogenic (I):BP2;PM2;PVS1